The following is an entry in ClinVar:

ClinVar aggregate classification (germline): Conflicting classifications of pathogenicity. Review status: criteria provided, conflicting classifications (1 of 4 stars). 3 submissions from 3 submitters: Uncertain significance (2); Likely benign (1). Last evaluated 2026-02-11.

Conditions:
Hereditary cancer-predisposing syndrome. Also called: Hereditary neoplastic syndrome; Tumor predisposition; Neoplastic Syndromes, Hereditary; Hereditary Cancer Syndrome. Identifiers: Orphanet 140162, MedGen C0027672, MeSH D009386, MONDO:0015356.

gnomAD v4.1: 1 of 1,613,240 alleles (0.000062%); no homozygotes.

Submissions (3):

Ambry Genetics
Classification: Likely benign for Hereditary cancer-predisposing syndrome. Last evaluated: 2026-02-11. Review status: criteria provided, single submitter. Criteria: Ambry Variant Classification Scheme 2023. Collection method: clinical testing. Allele origin: germline.

Labcorp Genetics (formerly Invitae), Labcorp
Classification: Uncertain significance. Last evaluated: 2025-04-02. Review status: criteria provided, single submitter. Criteria: Invitae Variant Classification Sherloc (09022015). Collection method: clinical testing. Allele origin: germline.
Comment: This sequence change replaces glycine, which is neutral and non-polar, with glutamic acid, which is acidic and polar, at codon 23 of the HOXB13 protein (p.Gly23Glu). This variant is present in population databases (rs745392080, gnomAD 0.006%). This variant has not been reported in the literature in individuals affected with HOXB13-related conditions. ClinVar contains an entry for this variant (Variation ID: 3369972). An algorithm developed to predict the effect of missense changes on protein structure and function (PolyPhen-2) suggests that this variant is likely to be tolerated. In summary, the available evidence is currently insufficient to determine the role of this variant in disease. Therefore, it has been classified as a Variant of Uncertain Significance.

GeneDx
Classification: Uncertain significance. Last evaluated: 2023-12-26. Review status: criteria provided, single submitter. Criteria: GeneDx Variant Classification Process June 2021. Collection method: clinical testing. Allele origin: germline. Affected: yes.
Comment: Not observed at significant frequency in large population cohorts (gnomAD); In silico analysis supports that this missense variant does not alter protein structure/function; Has not been previously published as pathogenic or benign to our knowledge

NM_006361.6(HOXB13):c.68G>A (p.Gly23Glu)

Gene: HOXB13 (homeobox B13; minus strand). Cytogenetic location: 17q21.32.
Variant type: single nucleotide variant.
Coding change: c.68G>A on transcript NM_006361.6 (MANE Select); coding-DNA position 68, G replaced by A.
Protein change: p.Gly23Glu; replaces glycine 23 with glutamic acid.
Molecular consequence: missense variant.
Genome position (GRCh38, 1-based): chr17:48,728,526, C>T on the plus strand (G>A on the coding strand, the complement: HOXB13 is on the minus strand). VCF-style: chr17-48728526-C-T. GRCh37 (hg19) VCF-style: chr17-46805888-C-T.
Other names: short protein forms G23E.
Identifiers: ClinVar variation 3369972 (VCV003369972.3).